The following is an entry in ClinVar:

NM_005732.4(RAD50):c.2233A>G (p.Lys745Glu)

Gene: RAD50 (RAD50 double strand break repair protein; plus strand). Cytogenetic location: 5q31.1.
Variant type: single nucleotide variant.
Coding change: c.2233A>G on transcript NM_005732.4 (MANE Select); coding-DNA position 2233, A replaced by G.
Protein change: p.Lys745Glu; replaces lysine 745 with glutamic acid.
Molecular consequence: missense variant.
Genome position (GRCh38, 1-based): chr5:132,603,325, A>G. VCF-style: chr5-132603325-A-G. GRCh37 (hg19) VCF-style: chr5-131939017-A-G.
Other names: short protein forms K745E.
Identifiers: ClinVar variation 408384 (VCV000408384.15), dbSNP rs1060501958, ClinGen allele CA16611965.

ClinVar aggregate classification (germline): Uncertain significance. Review status: criteria provided, multiple submitters, no conflicts (2 of 4 stars). 2 submissions from 2 submitters: Uncertain significance (2). Last evaluated 2023-10-29.

Conditions:
Hereditary cancer-predisposing syndrome. Also called: Hereditary Cancer Syndrome; Hereditary neoplastic syndrome; Neoplastic Syndromes, Hereditary; Tumor predisposition. Identifiers: Orphanet 140162, MedGen C0027672, MeSH D009386, MONDO:0015356.

Allele frequency attached by ClinVar (database versions not stated): gnomAD exomes below 0.00001.
gnomAD v4.1: 4 of 1,613,230 alleles (0.00025%); highest among the groups gnomAD compares: Non-Finnish European, 0.00034%; no homozygotes.

Submissions (2):

Labcorp Genetics (formerly Invitae), Labcorp
Classification: Uncertain significance for Hereditary cancer-predisposing syndrome. Last evaluated: 2023-10-29. Review status: criteria provided, single submitter. Criteria: Invitae Variant Classification Sherloc (09022015). Collection method: clinical testing. Allele origin: germline.
Comment: This sequence change replaces lysine, which is basic and polar, with glutamic acid, which is acidic and polar, at codon 745 of the RAD50 protein (p.Lys745Glu). This variant is not present in population databases (gnomAD no frequency). This variant has not been reported in the literature in individuals affected with RAD50-related conditions. ClinVar contains an entry for this variant (Variation ID: 408384). Advanced modeling of protein sequence and biophysical properties (such as structural, functional, and spatial information, amino acid conservation, physicochemical variation, residue mobility, and thermodynamic stability) performed at Invitae indicates that this missense variant is not expected to disrupt RAD50 protein function with a negative predictive value of 80%. In summary, the available evidence is currently insufficient to determine the role of this variant in disease. Therefore, it has been classified as a Variant of Uncertain Significance.

Ambry Genetics
Classification: Uncertain significance for Hereditary cancer-predisposing syndrome. Last evaluated: 2022-10-28. Review status: criteria provided, single submitter. Criteria: Ambry Variant Classification Scheme 2023. Collection method: clinical testing. Allele origin: germline.
Comment: The p.K745E variant (also known as c.2233A>G), located in coding exon 14 of the RAD50 gene, results from an A to G substitution at nucleotide position 2233. The lysine at codon 745 is replaced by glutamic acid, an amino acid with similar properties. This amino acid position is well conserved in available vertebrate species. In addition, the in silico prediction for this alteration is inconclusive. Since supporting evidence is limited at this time, the clinical significance of this alteration remains unclear.